The following is an entry in ClinVar:

NM_003480.4(MFAP5):c.455G>A (p.Arg152His)

Genes: MFAP5 (microfibril associated protein 5; minus strand), LOC126861443 (BRD4-independent group 4 enhancer GRCh37_chr12:8800473-8801672; plus strand). Cytogenetic location: 12p13.31.
Variant type: single nucleotide variant.
Coding change: c.455G>A on transcript NM_003480.4 (MANE Select); coding-DNA position 455, G replaced by A.
Protein change: p.Arg152His; replaces arginine 152 with histidine.
Molecular consequence: missense variant. On other transcripts: non-coding transcript variant (2).
Genome position (GRCh38, 1-based): chr12:8,648,158, C>T on the plus strand (G>A on the coding strand, the complement: MFAP5 is on the minus strand). VCF-style: chr12-8648158-C-T. GRCh37 (hg19) VCF-style: chr12-8800754-C-T.
Other names: c.455G>A (NM_003480.3, NM_003480.2); c.425G>A, p.Arg142His (NM_001297709.2); c.389G>A, p.Arg130His (NM_001297710.2); c.380G>A, p.Arg127His (NM_001297711.2); c.263G>A, p.Arg88His (NM_001297712.2); short protein forms R152H, R127H, R130H, R142H, R88H.
Identifiers: ClinVar variation 1946716 (VCV001946716.8), dbSNP rs761990899, ClinGen allele CA6434566.

ClinVar aggregate classification (germline): Uncertain significance. Review status: criteria provided, multiple submitters, no conflicts (2 of 4 stars). 4 submissions from 4 submitters: Uncertain significance (3). 1 of the submissions does not count toward it. Last evaluated 2025-12-09.

Conditions:
Cardiovascular phenotype. Identifiers: MedGen CN230736.
MFAP5-related disorder. Also called: MFAP5-related condition.
Familial thoracic aortic aneurysm and aortic dissection (TAAD). Also called: Thoracic aortic aneurysms and dissections. Identifiers: Orphanet 91387, MedGen C4707243, MONDO:0019625.

Allele frequency attached by ClinVar (database versions not stated): gnomAD 0.00001; ExAC 0.00005; gnomAD exomes 0.00001; TOPMed 0.00002.
gnomAD v4.1: 21 of 1,613,820 alleles (0.0013%); highest among the groups gnomAD compares: Admixed American, 0.0083%; no homozygotes.

Submissions (4):

Labcorp Genetics (formerly Invitae), Labcorp
Classification: Uncertain significance. Last evaluated: 2025-12-09. Review status: criteria provided, single submitter. Criteria: Invitae Variant Classification Sherloc (09022015). Collection method: clinical testing. Allele origin: germline.
Comment: This sequence change replaces arginine, which is basic and polar, with histidine, which is basic and polar, at codon 152 of the MFAP5 protein (p.Arg152His). This variant is present in population databases (rs761990899, gnomAD 0.01%). This variant has not been reported in the literature in individuals affected with MFAP5-related conditions. ClinVar contains an entry for this variant (Variation ID: 1946716). An algorithm developed to predict the effect of missense changes on protein structure and function (PolyPhen-2) suggests that this variant is likely to be disruptive. In summary, the available evidence is currently insufficient to determine the role of this variant in disease. Therefore, it has been classified as a Variant of Uncertain Significance.

Ambry Genetics
Classification: Uncertain significance for Cardiovascular phenotype. Last evaluated: 2025-08-04. Review status: criteria provided, single submitter. Criteria: Ambry Variant Classification Scheme 2023. Collection method: clinical testing. Allele origin: germline.
Comment: The p.R152H variant (also known as c.455G>A), located in coding exon 9 of the MFAP5 gene, results from a G to A substitution at nucleotide position 455. The arginine at codon 152 is replaced by histidine, an amino acid with highly similar properties. This amino acid position is well conserved in available vertebrate species. In addition, this alteration is predicted to be tolerated by in silico analysis. The evidence for this gene-disease relationship is limited; therefore, the clinical significance of this alteration is unclear.

Centre of Medical Genetics, University of Antwerp
Classification: Uncertain significance for Familial thoracic aortic aneurysm and aortic dissection. Last evaluated: 2024-09-06. Review status: criteria provided, single submitter. Criteria: ACMG Guidelines, 2015. Collection method: clinical testing. Allele origin: germline. Affected: yes.

PreventionGenetics, part of Exact Sciences
Classification: Uncertain significance for MFAP5-related condition. Last evaluated: 2024-04-03. Review status: no assertion criteria provided. Collection method: clinical testing. Allele origin: germline. Not counted in ClinVar's aggregate classification.
Comment: The MFAP5 c.455G>A variant is predicted to result in the amino acid substitution p.Arg152His. To our knowledge, this variant has not been reported in the literature. This variant is reported in 0.014% of alleles in individuals of Latino descent in gnomAD. At this time, the clinical significance of this variant is uncertain due to the absence of conclusive functional and genetic evidence.